The following is an entry in ClinVar:

ClinVar aggregate classification (germline): Uncertain significance (1 of 4 stars; one submission).

Submission:

GeneDx
Classification: Uncertain significance. Last evaluated: 2019-05-15. Review status: criteria provided, single submitter. Criteria: GeneDx Variant Classification Process June 2021. Collection method: clinical testing. Allele origin: germline. Affected: yes.
Comment: Not observed in large population cohorts (Lek et al., 2016); In silico analysis, which includes protein predictors and evolutionary conservation, supports a deleterious effect; Has not been previously published as pathogenic or benign to our knowledge

NM_021072.4(HCN1):c.1132A>T (p.Ser378Cys)

Gene: HCN1 (hyperpolarization activated cyclic nucleotide gated potassium channel 1; minus strand). Cytogenetic location: 5p12.
Variant type: single nucleotide variant.
Coding change: c.1132A>T on transcript NM_021072.4 (MANE Select); coding-DNA position 1132, A replaced by T.
Protein change: p.Ser378Cys; replaces serine 378 with cysteine.
Molecular consequence: missense variant.
Genome position (GRCh38, 1-based): chr5:45,396,590, T>A on the plus strand (A>T on the coding strand, the complement: HCN1 is on the minus strand). VCF-style: chr5-45396590-T-A. GRCh37 (hg19) VCF-style: chr5-45396692-T-A.
Other names: short protein forms S378C.
Identifiers: ClinVar variation 1302174 (VCV001302174.2), dbSNP rs2112040742, ClinGen allele CA359705355.